The following is an entry in ClinVar:

ClinVar aggregate classification (germline): Likely benign (1 of 4 stars; one submission).

gnomAD v4.1: 2 of 1,614,058 alleles (0.00012%); highest among the groups gnomAD compares: South Asian, 0.0022%; no homozygotes.

Submission:

Mayo Clinic Laboratories, Mayo Clinic
Classification: Likely benign. Last evaluated: 2025-10-10. Review status: criteria provided, single submitter. Criteria: ACMG Guidelines, 2015. Collection method: clinical testing. Allele origin: germline. Observed: 1 variant allele.
Comment: BP4, BP7, PM2_supporting

NM_001081.4(CUBN):c.10443A>G (p.Gln3481=)

Gene: CUBN (cubilin; minus strand). Cytogenetic location: 10p13.
Variant type: single nucleotide variant.
Coding change: c.10443A>G on transcript NM_001081.4 (MANE Select); coding-DNA position 10443, A replaced by G.
Protein change: p.Gln3481=; no amino-acid change (glutamine 3481 retained).
Molecular consequence: synonymous variant.
Genome position (GRCh38, 1-based): chr10:16,831,337, T>C on the plus strand (A>G on the coding strand, the complement: CUBN is on the minus strand). VCF-style: chr10-16831337-T-C. GRCh37 (hg19) VCF-style: chr10-16873336-T-C.
Other names: p.Gln3481=.
Identifiers: ClinVar variation 4683487 (VCV004683487.1).
Genomic context (GRCh38, chr10:16,831,337, plus strand): 5'-TTCATATCCACGATCAGAAGTTACACTATCACTCTTAAATCGTAGGTATAGTTCATTATT[T>C]TGAGAGAAGACAGGGTTTGGCAGCAGAGTTCCACAGTACTTGCCCAGTAATGGTGAATTG-3'
Protein context (NP_001072.2, residues 3471-3491): GTLLPNPVFS[Gln3481=]NNELYLRFKS